The following is an entry in ClinVar:

ClinVar aggregate classification (germline): Uncertain significance. Review status: criteria provided, multiple submitters, no conflicts (2 of 4 stars). 3 submissions from 3 submitters: Uncertain significance (3). Last evaluated 2025-12-29.

Conditions:
Hereditary cancer-predisposing syndrome. Also called: Neoplastic Syndromes, Hereditary; Hereditary Cancer Syndrome; Tumor predisposition; Hereditary neoplastic syndrome. Identifiers: Orphanet 140162, MedGen C0027672, MeSH D009386, MONDO:0015356.
Ataxia-telangiectasia syndrome (AT). Also called: LOUIS-BAR SYNDROME; Cerebello-oculocutaneous telangiectasia; Immunodeficiency with ataxia telangiectasia; Ataxia-telangiectasia, complementation group D; AT, COMPLEMENTATION GROUP C; Ataxia-telangiectasia, complementation group E. Identifiers: Orphanet 100, MedGen C0004135, MONDO:0008840, OMIM 208900.

Submissions (3):

Center for Genomic Medicine, Rigshospitalet, Copenhagen University Hospital
Classification: Uncertain significance. Last evaluated: 2025-12-29. Review status: criteria provided, single submitter. Criteria: ACMG Guidelines, 2015. Collection method: clinical testing. Allele origin: germline.

Labcorp Genetics (formerly Invitae), Labcorp
Classification: Uncertain significance for Ataxia-telangiectasia syndrome. Last evaluated: 2025-11-05. Review status: criteria provided, single submitter. Criteria: Invitae Variant Classification Sherloc (09022015). Collection method: clinical testing. Allele origin: germline.
Comment: This sequence change replaces methionine, which is neutral and non-polar, with arginine, which is basic and polar, at codon 3011 of the ATM protein (p.Met3011Arg). This variant is not present in population databases (gnomAD no frequency). This variant has not been reported in the literature in individuals affected with ATM-related conditions. ClinVar contains an entry for this variant (Variation ID: 485227). Invitae Evidence Modeling of protein sequence and biophysical properties (such as structural, functional, and spatial information, amino acid conservation, physicochemical variation, residue mobility, and thermodynamic stability) indicates that this missense variant is not expected to disrupt ATM protein function with a negative predictive value of 95%. In summary, the available evidence is currently insufficient to determine the role of this variant in disease. Therefore, it has been classified as a Variant of Uncertain Significance.

Ambry Genetics
Classification: Uncertain significance for Hereditary cancer-predisposing syndrome. Last evaluated: 2017-04-10. Review status: criteria provided, single submitter. Criteria: Ambry Variant Classification Scheme 2023. Collection method: clinical testing. Allele origin: germline.
Comment: The p.M3011R variant (also known as c.9032T>G), located in coding exon 62 of the ATM gene, results from a T to G substitution at nucleotide position 9032. The methionine at codon 3011 is replaced by arginine, an amino acid with similar properties. This amino acid position is not well conserved in available vertebrate species. In addition, this alteration is predicted to be tolerated by in silico analysis. Since supporting evidence is limited at this time, the clinical significance of this alteration remains unclear.

NM_000051.4(ATM):c.9032T>G (p.Met3011Arg)

Genes: ATM (ATM serine/threonine kinase; plus strand), C11orf65 (chromosome 11 open reading frame 65; minus strand). Cytogenetic location: 11q22.3.
Variant type: single nucleotide variant.
Coding change: c.9032T>G on transcript NM_000051.4 (MANE Select); coding-DNA position 9032, T replaced by G.
Protein change: p.Met3011Arg; replaces methionine 3011 with arginine.
Molecular consequence: missense variant. On other transcripts: intron variant (2).
Genome position (GRCh38, 1-based): chr11:108,365,369, T>G. VCF-style: chr11-108365369-T-G. GRCh37 (hg19) VCF-style: chr11-108236096-T-G.
Other names: c.9032T>G, p.Met3011Arg (NM_001351834.2); c.640+20551A>C (NM_001330368.2); c.694+20551A>C (NM_001351110.2); short protein forms M3011R.
Identifiers: ClinVar variation 485227 (VCV000485227.15), dbSNP rs1555151804, ClinGen allele CA382531207.